The following is an entry in ClinVar:

NM_000388.4(CASR):c.1327C>T (p.Leu443Phe)

Gene: CASR (calcium sensing receptor; plus strand). Cytogenetic location: 3q21.1.
Variant type: single nucleotide variant.
Coding change: c.1327C>T on transcript NM_000388.4 (MANE Select); coding-DNA position 1327, C replaced by T.
Protein change: p.Leu443Phe; replaces leucine 443 with phenylalanine.
Molecular consequence: missense variant.
Genome position (GRCh38, 1-based): chr3:122,262,362, C>T. VCF-style: chr3-122262362-C-T. GRCh37 (hg19) VCF-style: chr3-121981209-C-T.
Other names: c.1327C>T, p.Leu443Phe (NM_001178065.2); short protein forms L443F.
Identifiers: ClinVar variation 1407752 (VCV001407752.10), dbSNP rs267599574, ClinGen allele CA82739130.

ClinVar aggregate classification (germline): Uncertain significance. Review status: criteria provided, multiple submitters, no conflicts (2 of 4 stars). 2 submissions from 2 submitters: Uncertain significance (2). Last evaluated 2021-02-19.

Conditions:
Familial hypocalciuric hypercalcemia (FHH). Also called: Familial benign hypercalcemia. Identifiers: Orphanet 405, MedGen C1809471, MONDO:0018458.
Autosomal dominant hypocalcemia 1 (HYPOC1). Also called: HYPOCALCEMIA, FAMILIAL. Identifiers: MedGen C3715128, MONDO:0011013, OMIM 601198.
Nephrolithiasis/nephrocalcinosis. Identifiers: MedGen CN580796.

gnomAD v4.1: 1 of 1,613,990 alleles (0.000062%); highest among the groups gnomAD compares: African/African-American, 0.0013%; no homozygotes.

Submissions (2):

Ambry Genetics
Classification: Uncertain significance for Nephrolithiasis/nephrocalcinosis. Last evaluated: 2021-02-19. Review status: criteria provided, single submitter. Criteria: Ambry Variant Classification Scheme 2023. Collection method: clinical testing. Allele origin: germline.
Comment: The p.L443F variant (also known as c.1327C>T), located in coding exon 3 of the CASR gene, results from a C to T substitution at nucleotide position 1327. The leucine at codon 443 is replaced by phenylalanine, an amino acid with highly similar properties. This amino acid position is highly conserved in available vertebrate species. In addition, the in silico prediction for this alteration is inconclusive. Since supporting evidence is limited at this time, the clinical significance of this alteration remains unclear.

Labcorp Genetics (formerly Invitae), Labcorp
Classification: Uncertain significance for Familial hypocalciuric hypercalcemia; Autosomal dominant hypocalcemia 1. Last evaluated: 2020-11-13. Review status: criteria provided, single submitter. Criteria: Invitae Variant Classification Sherloc (09022015). Collection method: clinical testing. Allele origin: germline.
Comment: This variant has not been reported in the literature in individuals with CASR-related conditions. This sequence change replaces leucine with phenylalanine at codon 443 of the CASR protein (p.Leu443Phe). The leucine residue is highly conserved and there is a small physicochemical difference between leucine and phenylalanine. This variant is not present in population databases (ExAC no frequency). Algorithms developed to predict the effect of missense changes on protein structure and function are either unavailable or do not agree on the potential impact of this missense change (SIFT: "Deleterious"; PolyPhen-2: "Benign"; Align-GVGD: "Class C15"). In summary, the available evidence is currently insufficient to determine the role of this variant in disease. Therefore, it has been classified as a Variant of Uncertain Significance.